The following is an entry in ClinVar:

NM_001267550.2(TTN):c.20139G>C (p.Lys6713Asn)

Genes: TTN (titin; minus strand), LOC126806429 (BRD4-independent group 4 enhancer GRCh37_chr2:179591393-179592592; plus strand). Cytogenetic location: 2q31.2.
Variant type: single nucleotide variant.
Coding change: c.20139G>C on transcript NM_001267550.2 (MANE Select); coding-DNA position 20139, G replaced by C.
Protein change: p.Lys6713Asn; replaces lysine 6713 with asparagine.
Molecular consequence: missense variant. On other transcripts: intron variant (3).
Genome position (GRCh38, 1-based): chr2:178,727,226, C>G on the plus strand (G>C on the coding strand, the complement: TTN is on the minus strand). VCF-style: chr2-178727226-C-G. GRCh37 (hg19) VCF-style: chr2-179591953-C-G.
Other names: c.19188G>C, p.Lys6396Asn (NM_001256850.1); c.16407G>C, p.Lys5469Asn (NM_133378.4); c.13282+10856G>C (NM_003319.4); c.13858+10856G>C (NM_133437.4); c.13657+10856G>C (NM_133432.3); short protein forms K5469N, K6396N, K6713N.
Identifiers: ClinVar variation 4958636 (VCV004958636.2).

ClinVar aggregate classification (germline): Conflicting classifications of pathogenicity. Review status: criteria provided, conflicting classifications (1 of 4 stars). 2 submissions from 2 submitters: Uncertain significance (1); Likely benign (1). Last evaluated 2025-08-15.

Conditions:
TTN-related disorder. Also called: TTN-related disorders; TTN-related condition; TTN-related disease.

gnomAD v4.1: 25 of 1,613,110 alleles (0.0015%); highest among the groups gnomAD compares: Admixed American, 0.0033%; no homozygotes.

Submissions (2):

PreventionGenetics, part of Exact Sciences
Classification: Uncertain significance for TTN-related condition. Last evaluated: 2025-08-15. Review status: criteria provided, single submitter. Criteria: ACMG Guidelines, 2015. Collection method: clinical testing. Allele origin: germline.
Comment: The TTN c.20139G>C variant is predicted to result in the amino acid substitution p.Lys6713Asn. To our knowledge, this variant has not been reported in the literature. This variant is reported in 0.0029% of alleles in individuals of Latino descent in gnomAD. At this time, the clinical significance of this variant is uncertain due to the absence of conclusive functional and genetic evidence.

Blueprint Genetics
Classification: Likely benign. Last evaluated: 2024-04-23. Review status: criteria provided, single submitter. Criteria: ACMG Guidelines, 2015. Collection method: clinical testing. Allele origin: germline.